The following is an entry in ClinVar:

ClinVar aggregate classification (germline): Uncertain significance (1 of 4 stars; one submission).

Conditions:
Epidermodysplasia verruciformis. Identifiers: Orphanet 302, MedGen C0014522, MONDO:0009176.

Submission:

Labcorp Genetics (formerly Invitae), Labcorp
Classification: Uncertain significance for Epidermodysplasia verruciformis. Last evaluated: 2021-06-13. Review status: criteria provided, single submitter. Criteria: Invitae Variant Classification Sherloc (09022015). Collection method: clinical testing. Allele origin: germline.
Comment: This sequence change replaces aspartic acid with glycine at codon 26 of the TMC6 protein (p.Asp26Gly). The aspartic acid residue is weakly conserved and there is a moderate physicochemical difference between aspartic acid and glycine. This variant is not present in population databases (ExAC no frequency). This variant has not been reported in the literature in individuals with TMC6-related conditions. Algorithms developed to predict the effect of missense changes on protein structure and function are either unavailable or do not agree on the potential impact of this missense change (SIFT: "Not Available"; PolyPhen-2: "Possibly Damaging"; Align-GVGD: "Not Available"). In summary, the available evidence is currently insufficient to determine the role of this variant in disease. Therefore, it has been classified as a Variant of Uncertain Significance.

NM_001127198.5(TMC6):c.77A>G (p.Asp26Gly)

Gene: TMC6 (transmembrane channel like 6; minus strand). Cytogenetic location: 17q25.3.
Variant type: single nucleotide variant.
Coding change: c.77A>G on transcript NM_001127198.5 (MANE Select); coding-DNA position 77, A replaced by G.
Protein change: p.Asp26Gly; replaces aspartic acid 26 with glycine.
Molecular consequence: missense variant. On other transcripts: non-coding transcript variant (4).
Genome position (GRCh38, 1-based): chr17:78,126,628, T>C on the plus strand (A>G on the coding strand, the complement: TMC6 is on the minus strand). VCF-style: chr17-78126628-T-C. GRCh37 (hg19) VCF-style: chr17-76122709-T-C.
Other names: c.77A>G, p.Asp26Gly (NM_001321185.1, NM_001374593.1, NM_001374594.1 and 4 more transcripts); short protein forms D26G.
Identifiers: ClinVar variation 1498519 (VCV001498519.8), dbSNP rs201785708, ClinGen allele CA401236876.
Genomic context (GRCh38, chr17:78,126,628, plus strand): 5'-GCCGTGCACTGGCTCTGCTCCTGGATGAGCTGCTGGAAGGAGTCGTGCACTTCGCTTTCA[T>C]CATAGGGGCTGGGGCCCTGGCTGCAGAGGGGGTTGGCGGGGGGGTCAGGCTCCAGCCACC-3'
Protein context (NP_001120670.1, residues 16-36): GDQGQGPSPY[Asp26Gly]ESEVHDSFQQ